The following is an entry in ClinVar:

NM_020975.6(RET):c.89A>G (p.Tyr30Cys)

Gene: RET (ret proto-oncogene; plus strand). Cytogenetic location: 10q11.21.
Variant type: single nucleotide variant.
Coding change: c.89A>G on transcript NM_020975.6 (MANE Select); coding-DNA position 89, A replaced by G.
Protein change: p.Tyr30Cys; replaces tyrosine 30 with cysteine.
Molecular consequence: missense variant.
Genome position (GRCh38, 1-based): chr10:43,100,474, A>G. VCF-style: chr10-43100474-A-G. GRCh37 (hg19) VCF-style: chr10-43595922-A-G.
Other names: c.89A>G, p.Tyr30Cys (NM_000323.2, NM_001406743.1, NM_001406744.1 and 34 more transcripts); short protein forms Y30C.
Identifiers: ClinVar variation 1378130 (VCV001378130.10), dbSNP rs2132656815, ClinGen allele CA376770063.
Genomic context (GRCh38, chr10:43,100,474, plus strand): 5'-AGCCTTATTCTCACCATCCCTCACTCACTTCCCTACTTCCCACAGTGGCATTGGGCCTCT[A>G]CTTCTCGAGGGATGCTTACTGGGAGAAGCTGTATGTGGACCAGGCAGCCGGCACGCCCTT-3'
Protein context (NP_066124.1, residues 20-40): PLLGKVALGL[Tyr30Cys]FSRDAYWEKL

ClinVar aggregate classification (germline): Uncertain significance. Review status: criteria provided, multiple submitters, no conflicts (2 of 4 stars). 2 submissions from 2 submitters: Uncertain significance (2). Last evaluated 2023-02-16.

Conditions:
Hereditary cancer-predisposing syndrome. Also called: Neoplastic Syndromes, Hereditary; Hereditary Cancer Syndrome; Tumor predisposition; Hereditary neoplastic syndrome. Identifiers: Orphanet 140162, MedGen C0027672, MeSH D009386, MONDO:0015356.
Multiple endocrine neoplasia, type 2 (MEN2). Identifiers: Orphanet 653, MedGen C4048306, MONDO:0019003. Disease mechanism: gain of function.

Submissions (2):

Ambry Genetics
Classification: Uncertain significance for Hereditary cancer-predisposing syndrome. Last evaluated: 2023-02-16. Review status: criteria provided, single submitter. Criteria: Ambry Variant Classification Scheme 2023. Collection method: clinical testing. Allele origin: germline.
Comment: The p.Y30C variant (also known as c.89A>G), located in coding exon 2 of the RET gene, results from an A to G substitution at nucleotide position 89. The tyrosine at codon 30 is replaced by cysteine, an amino acid with highly dissimilar properties. This amino acid position is conserved. In addition, this alteration is predicted to be deleterious by in silico analysis. Since supporting evidence is limited at this time, the clinical significance of this alteration remains unclear.

Labcorp Genetics (formerly Invitae), Labcorp
Classification: Uncertain significance for Multiple endocrine neoplasia, type 2. Last evaluated: 2020-12-27. Review status: criteria provided, single submitter. Criteria: Invitae Variant Classification Sherloc (09022015). Collection method: clinical testing. Allele origin: germline.
Comment: This variant is not present in population databases (ExAC no frequency). This sequence change replaces tyrosine with cysteine at codon 30 of the RET protein (p.Tyr30Cys). The tyrosine residue is highly conserved and there is a large physicochemical difference between tyrosine and cysteine. This variant has not been reported in the literature in individuals with RET-related conditions. In summary, the available evidence is currently insufficient to determine the role of this variant in disease. Therefore, it has been classified as a Variant of Uncertain Significance. Algorithms developed to predict the effect of missense changes on protein structure and function are either unavailable or do not agree on the potential impact of this missense change (SIFT: "Deleterious"; PolyPhen-2: "Probably Damaging"; Align-GVGD: "Class C0").